The following is an entry in ClinVar:

ClinVar aggregate classification (germline): Pathogenic. Review status: criteria provided, multiple submitters, no conflicts (2 of 4 stars). 3 submissions from 3 submitters: Pathogenic (3). Last evaluated 2024-11-10.

Conditions:
Dyskeratosis congenita, autosomal recessive 6 (DKCB6). Identifiers: MedGen C4225356, MONDO:0014600, OMIM 616353.
Pulmonary fibrosis and/or bone marrow failure, Telomere-related, 4. Also called: PULMONARY FIBROSIS AND/OR BONE MARROW FAILURE SYNDROME, TELOMERE-RELATED, 4. Identifiers: Orphanet 2032, MedGen C4225347, MONDO:0014612, OMIM 616371.
PARN-related disorder. Also called: PARN-related condition; PARN-related disorders.

Allele frequency attached by ClinVar (database versions not stated): gnomAD exomes below 0.00001 and 0.00001; TOPMed below 0.00001.

Submissions (3):

Labcorp Genetics (formerly Invitae), Labcorp
Classification: Pathogenic for Dyskeratosis congenita, autosomal recessive 6; Pulmonary fibrosis and/or bone marrow failure, Telomere-related, 4. Last evaluated: 2024-11-10. Review status: criteria provided, single submitter. Criteria: Invitae Variant Classification Sherloc (09022015). Collection method: clinical testing. Allele origin: germline.
Comment: This sequence change creates a premature translational stop signal (p.Val318Phefs*8) in the PARN gene. It is expected to result in an absent or disrupted protein product. Loss-of-function variants in PARN are known to be pathogenic (PMID: 9736620, 25848748, 26810774). This variant is present in population databases (no rsID available, gnomAD 0.001%). This premature translational stop signal has been observed in individual(s) with myelodysplastic syndrome (PMID: 33510405). This variant is also known as c.810_811del (p.V272Ffs*8). ClinVar contains an entry for this variant (Variation ID: 803221). For these reasons, this variant has been classified as Pathogenic.

Blueprint Genetics
Classification: Pathogenic for PARN-related disorders. Last evaluated: 2022-02-18. Review status: criteria provided, single submitter. Criteria: ACMG Guidelines, 2015. Collection method: clinical testing. Allele origin: germline. Affected: yes. Observed: 1 variant allele.

Mendelics
Classification: Pathogenic for Dyskeratosis congenita, autosomal recessive 6. Last evaluated: 2019-05-28. Review status: criteria provided, single submitter. Criteria: Mendelics Assertion Criteria 2017. Collection method: clinical testing. Allele origin: unknown.

Literature cited by the submitters: PubMed 9736620 (cited by Labcorp Genetics (formerly Invitae), Labcorp); PubMed 25848748 (cited by Labcorp Genetics (formerly Invitae), Labcorp); PubMed 26810774 (cited by Labcorp Genetics (formerly Invitae), Labcorp); PubMed 33510405 (cited by Labcorp Genetics (formerly Invitae), Labcorp).

NM_002582.4(PARN):c.948_949del (p.Val318fs)

Gene: PARN (poly(A)-specific ribonuclease; minus strand). Cytogenetic location: 16p13.12.
Variant type: Deletion.
Coding change: c.948_949del on transcript NM_002582.4 (MANE Select); coding-DNA positions 948 to 949, 2 bases deleted (AT; older notation c.948_949delAT).
Protein change: p.Val318fs; shifts the reading frame from valine 318.
Molecular consequence: frameshift variant.
Genome position (GRCh38, 1-based): chr16:14,586,331-14,586,332, AT deleted on the plus strand (AT on the coding strand, the reverse complement: PARN is on the minus strand). VCF-style (leftmost placement, unchanged base first): chr16-14586330-CAT-C. GRCh37 (hg19) VCF-style: chr16-14680187-CAT-C.
Other names: c.765_766del, p.Val257fs (NM_001134477.3); c.810_811del, p.Val272fs (NM_001242992.2); short protein forms V318fs, V272fs, V257fs.
Identifiers: ClinVar variation 803221 (VCV000803221.4), dbSNP rs1461036243, ClinGen allele CA621022187.